The following is an entry in ClinVar:

NM_005392.4(PHF2):c.825G>A (p.Ser275=)

Gene: PHF2 (PHD finger protein 2; plus strand). Cytogenetic location: 9q22.31.
Variant type: single nucleotide variant.
Coding change: c.825G>A on transcript NM_005392.4 (MANE Select); coding-DNA position 825, G replaced by A.
Protein change: p.Ser275=; no amino-acid change (serine 275 retained).
Molecular consequence: synonymous variant.
Genome position (GRCh38, 1-based): chr9:93,654,448, G>A. VCF-style: chr9-93654448-G-A. GRCh37 (hg19) VCF-style: chr9-96416730-G-A.
Identifiers: ClinVar variation 3042745 (VCV003042745.2), dbSNP rs139132481, ClinGen allele CA5132484.

ClinVar aggregate classification (germline): Benign (0 of 4 stars; one submission).

Conditions:
PHF2-related disorder. Also called: PHF2-related condition.

Allele frequency attached by ClinVar (database versions not stated): 1000 Genomes Project 0.00020; 1000 Genomes Project 30x 0.00031; gnomAD 0.00056; TOPMed 0.00057; ExAC 0.00065; ESP Exome Variant Server 0.00069.
gnomAD v4.1: 728 of 1,613,808 alleles (0.045%); highest among the groups gnomAD compares: African/African-American, 0.057%; 7 homozygotes.

Submission:

PreventionGenetics, part of Exact Sciences
Classification: Benign for PHF2-related condition. Last evaluated: 2019-07-01. Review status: no assertion criteria provided. Collection method: clinical testing. Allele origin: germline.
Comment: This variant is classified as benign based on ACMG/AMP sequence variant interpretation guidelines (Richards et al. 2015 PMID: 25741868, with internal and published modifications).